The following is an entry in ClinVar:

ClinVar aggregate classification (germline): Pathogenic (1 of 4 stars; one submission).

Conditions:
Autism spectrum disorder - epilepsy - arthrogryposis syndrome (AMRS). Identifiers: Orphanet 370943, MedGen C3809910, MONDO:0014248, OMIM 615553.

Submission:

Labcorp Genetics (formerly Invitae), Labcorp
Classification: Pathogenic for Autism spectrum disorder - epilepsy - arthrogryposis syndrome. Last evaluated: 2026-01-12. Review status: criteria provided, single submitter. Criteria: Invitae Variant Classification Sherloc (09022015). Collection method: clinical testing. Allele origin: germline.
Comment: This sequence change creates a premature translational stop signal (p.Val257Glufs*2) in the SLC35A3 gene. It is expected to result in an absent or disrupted protein product. Loss-of-function variants in SLC35A3 are known to be pathogenic (PMID: 24031089, 28328131). This variant is not present in population databases (gnomAD no frequency). This variant has not been reported in the literature in individuals affected with SLC35A3-related conditions. For these reasons, this variant has been classified as Pathogenic.

Literature cited by the submitters: PubMed 24031089; PubMed 28328131.

NM_012243.3(SLC35A3):c.770del (p.Val257fs)

Gene: SLC35A3 (solute carrier family 35 member A3; plus strand). Cytogenetic location: 1p21.2.
Variant type: Deletion.
Coding change: c.770del on transcript NM_012243.3 (MANE Select); coding-DNA position 770, one base deleted (T; older notation c.770delT).
Protein change: p.Val257fs; shifts the reading frame from valine 257.
Molecular consequence: frameshift variant. On other transcripts: intron variant (4).
Genome position (GRCh38, 1-based): chr1:100,017,698, T deleted. VCF-style (leftmost placement, unchanged base first): chr1-100017697-GT-G. GRCh37 (hg19) VCF-style: chr1-100483253-GT-G.
Other names: c.896del, p.Val299fs (NM_001271685.2); c.647del, p.Val216fs (NM_001437717.1); c.770del, p.Val257fs (NM_001438725.1); c.753+2278del (NM_001438728.1); c.635-4688del (NM_001271684.2); c.630+2278del (NM_001437713.1); c.512-4688del (NM_001438729.1); short protein forms V216fs, V299fs, V257fs.
Identifiers: ClinVar variation 4735216 (VCV004735216.1).